The following is an entry in ClinVar:

ClinVar aggregate classification (germline): Benign (1 of 4 stars; one submission).

Allele frequency attached by ClinVar (database versions not stated): gnomAD exomes 0.74397; gnomAD 0.77117 and 0.77465; TOPMed 0.77856; 1000 Genomes Project 30x 0.83901; 1000 Genomes Project 0.84065.
gnomAD v4.1: 450,734 of 599,566 alleles (75%); highest among the groups gnomAD compares: African/African-American, 86%; 171,210 homozygotes.

Submission:

GeneDx
Classification: Benign. Last evaluated: 2018-06-14. Review status: criteria provided, single submitter. Criteria: GeneDx Variant Classification (06012015). Collection method: clinical testing. Allele origin: germline. Affected: yes.
Comment: This variant is considered likely benign or benign based on one or more of the following criteria: it is a conservative change, it occurs at a poorly conserved position in the protein, it is predicted to be benign by multiple in silico algorithms, and/or has population frequency not consistent with disease.

NM_001105206.3(LAMA4):c.3414+169A>G

Gene: LAMA4 (laminin subunit alpha 4; minus strand). Cytogenetic location: 6q21.
Variant type: single nucleotide variant.
Coding change: c.3414+169A>G on transcript NM_001105206.3 (MANE Select); 169 bases into the intron after coding-DNA position 3414, A replaced by G.
Molecular consequence: intron variant.
Genome position (GRCh38, 1-based): chr6:112,135,954, T>C on the plus strand (A>G on the coding strand, the complement: LAMA4 is on the minus strand). VCF-style: chr6-112135954-T-C. GRCh37 (hg19) VCF-style: chr6-112457156-T-C.
Other names: c.3393+169A>G (NM_002290.5, NM_001105207.3).
Identifiers: ClinVar variation 672707 (VCV000672707.1), dbSNP rs2032566, ClinGen allele CA144891939.